The following is an entry in ClinVar:

ClinVar aggregate classification (germline): Uncertain significance. Review status: criteria provided, multiple submitters, no conflicts (2 of 4 stars). 5 submissions from 5 submitters: Uncertain significance (4). 1 of the submissions does not count toward it. Last evaluated 2024-02-26.

Conditions:
GCDH-related disorder. Also called: GCDH-related condition.
Inborn genetic diseases. Identifiers: MedGen C0950123, MeSH D030342.
Glutaric aciduria, type 1. Also called: Glutaryl-CoA dehydrogenase deficiency; GA I; Glutaricaciduria, type I; Glutaric Acidemia Type 1; Glutaric acidemia type I; Glutaricacidemia Type 1. Identifiers: Orphanet 25, MedGen C0268595, MONDO:0009281, OMIM 231670.

Allele frequency attached by ClinVar (database versions not stated): ExAC 0.00001; gnomAD 0.00001; gnomAD exomes 0.00001.
gnomAD v4.1: 5 of 1,613,998 alleles (0.00031%); highest among the groups gnomAD compares: African/African-American, 0.004%; no homozygotes.

Submissions (5):

Ambry Genetics
Classification: Uncertain significance for Inborn genetic diseases. Last evaluated: 2024-02-26. Review status: criteria provided, single submitter. Criteria: Ambry Variant Classification Scheme 2023. Collection method: clinical testing. Allele origin: germline.

PreventionGenetics, part of Exact Sciences
Classification: Uncertain significance for GCDH-related condition. Last evaluated: 2023-01-30. Review status: criteria provided, single submitter. Criteria: ACMG Guidelines, 2015. Collection method: clinical testing. Allele origin: germline.
Comment: The GCDH c.460G>A variant is predicted to result in the amino acid substitution p.Ala154Thr. To our knowledge, this variant has not been reported in the literature. This variant is reported in 0.012% of alleles in individuals of African descent in gnomAD. At this time, the clinical significance of this variant is uncertain due to the absence of conclusive functional and genetic evidence.

Labcorp Genetics (formerly Invitae), Labcorp
Classification: Uncertain significance for Glutaric aciduria, type 1. Last evaluated: 2022-07-12. Review status: criteria provided, single submitter. Criteria: Invitae Variant Classification Sherloc (09022015). Collection method: clinical testing. Allele origin: germline.
Comment: This sequence change replaces alanine, which is neutral and non-polar, with threonine, which is neutral and polar, at codon 154 of the GCDH protein (p.Ala154Thr). This variant is present in population databases (rs759415410, gnomAD 0.01%). This variant has not been reported in the literature in individuals affected with GCDH-related conditions. ClinVar contains an entry for this variant (Variation ID: 1052666). Advanced modeling of protein sequence and biophysical properties (such as structural, functional, and spatial information, amino acid conservation, physicochemical variation, residue mobility, and thermodynamic stability) performed at Invitae indicates that this missense variant is expected to disrupt GCDH protein function. In summary, the available evidence is currently insufficient to determine the role of this variant in disease. Therefore, it has been classified as a Variant of Uncertain Significance.

GeneDx
Classification: Uncertain significance. Last evaluated: 2022-04-22. Review status: criteria provided, single submitter. Criteria: GeneDx Variant Classification Process June 2021. Collection method: clinical testing. Allele origin: germline. Affected: yes.
Comment: Not observed at significant frequency in large population cohorts (gnomAD); In silico analysis supports that this missense variant does not alter protein structure/function; Has not been previously published as pathogenic or benign to our knowledge

Natera, Inc.
Classification: Uncertain significance for Glutaric acidemia type 1. Last evaluated: 2019-12-10. Review status: no assertion criteria provided. Collection method: clinical testing. Allele origin: germline. Not counted in ClinVar's aggregate classification.

NM_000159.4(GCDH):c.460G>A (p.Ala154Thr)

Gene: GCDH (glutaryl-CoA dehydrogenase; plus strand). Cytogenetic location: 19p13.13.
Variant type: single nucleotide variant.
Coding change: c.460G>A on transcript NM_000159.4 (MANE Select); coding-DNA position 460, G replaced by A.
Protein change: p.Ala154Thr; replaces alanine 154 with threonine.
Molecular consequence: missense variant. On other transcripts: non-coding transcript variant (2).
Genome position (GRCh38, 1-based): chr19:12,893,608, G>A. VCF-style: chr19-12893608-G-A. GRCh37 (hg19) VCF-style: chr19-13004422-G-A.
Other names: c.460G>A, p.Ala154Thr (NM_013976.5); c.460G>A (NM_000159.2, NM_000159.3); short protein forms A154T.
Identifiers: ClinVar variation 1052666 (VCV001052666.16), dbSNP rs759415410, ClinGen allele CA9234392.